The following is an entry in ClinVar:

NM_001111.5(ADAR):c.1129C>G (p.Pro377Ala)

Gene: ADAR (adenosine deaminase RNA specific; minus strand). Cytogenetic location: 1q21.3.
Variant type: single nucleotide variant.
Coding change: c.1129C>G on transcript NM_001111.5 (MANE Select); coding-DNA position 1129, C replaced by G.
Protein change: p.Pro377Ala; replaces proline 377 with alanine.
Molecular consequence: missense variant.
Genome position (GRCh38, 1-based): chr1:154,601,513, G>C on the plus strand (C>G on the coding strand, the complement: ADAR is on the minus strand). VCF-style: chr1-154601513-G-C. GRCh37 (hg19) VCF-style: chr1-154573989-G-C.
Other names: c.244C>G, p.Pro82Ala (NM_001025107.3, NM_001193495.2, NM_001365046.1 and 3 more transcripts); c.1156C>G, p.Pro386Ala (NM_001365045.1); c.1129C>G, p.Pro377Ala (NM_015840.4, NM_015841.4, LRG_1212t1); short protein forms P377A, P386A, P82A.
Identifiers: ClinVar variation 646809 (VCV000646809.8), dbSNP rs1571107810, ClinGen allele CA342598528.

ClinVar aggregate classification (germline): Uncertain significance (1 of 4 stars; one submission).

Conditions:
Symmetrical dyschromatosis of extremities (DSH). Also called: DYSCHROMATOSIS SYMMETRICA HEREDITARIA 1; RETICULATE ACROPIGMENTATION OF DOHI; SYMMETRIC DYSCHROMATOSIS OF THE EXTREMITIES; Dyschromatosis symmetrica hereditaria. Identifiers: Orphanet 41, MedGen C0406775, MONDO:0007483, OMIM 127400.
Aicardi-Goutieres syndrome 6 (AGS6). Identifiers: Orphanet 51, MedGen C3539013, MONDO:0014007, OMIM 615010.

Allele frequency attached by ClinVar (database versions not stated): gnomAD exomes below 0.00001.
gnomAD v4.1: 1 of 1,613,888 alleles (0.000062%); highest among the groups gnomAD compares: Non-Finnish European, 0.000085%; no homozygotes.

Submission:

Labcorp Genetics (formerly Invitae), Labcorp
Classification: Uncertain significance for Aicardi-Goutieres syndrome 6; Symmetrical dyschromatosis of extremities. Last evaluated: 2023-10-05. Review status: criteria provided, single submitter. Criteria: Invitae Variant Classification Sherloc (09022015). Collection method: clinical testing. Allele origin: germline.
Comment: This sequence change replaces proline, which is neutral and non-polar, with alanine, which is neutral and non-polar, at codon 377 of the ADAR protein (p.Pro377Ala). This variant is not present in population databases (gnomAD no frequency). This variant has not been reported in the literature in individuals affected with ADAR-related conditions. ClinVar contains an entry for this variant (Variation ID: 646809). Advanced modeling of protein sequence and biophysical properties (such as structural, functional, and spatial information, amino acid conservation, physicochemical variation, residue mobility, and thermodynamic stability) performed at Invitae indicates that this missense variant is not expected to disrupt ADAR protein function. In summary, the available evidence is currently insufficient to determine the role of this variant in disease. Therefore, it has been classified as a Variant of Uncertain Significance.